The following is an entry in ClinVar:

ClinVar aggregate classification (germline): Likely benign (0 of 4 stars; one submission).

Conditions:
NCOA1-related disorder. Also called: NCOA1-related condition.

Submission:

PreventionGenetics, part of Exact Sciences
Classification: Likely benign for NCOA1-related condition. Last evaluated: 2023-03-29. Review status: no assertion criteria provided. Collection method: clinical testing. Allele origin: germline.
Comment: This variant is classified as likely benign based on ACMG/AMP sequence variant interpretation guidelines (Richards et al. 2015 PMID: 25741868, with internal and published modifications).

NM_003743.5(NCOA1):c.1812T>C (p.Asp604=)

Gene: NCOA1 (nuclear receptor coactivator 1; plus strand). Cytogenetic location: 2p23.3.
Variant type: single nucleotide variant.
Coding change: c.1812T>C on transcript NM_003743.5 (MANE Select); coding-DNA position 1812, T replaced by C.
Protein change: p.Asp604=; no amino-acid change (aspartic acid 604 retained).
Molecular consequence: synonymous variant.
Genome position (GRCh38, 1-based): chr2:24,707,282, T>C. VCF-style: chr2-24707282-T-C. GRCh37 (hg19) VCF-style: chr2-24930151-T-C.
Other names: c.1812T>C, p.Asp604= (NM_001362950.1, NM_001362952.1, NM_001362954.1 and 3 more transcripts).
Identifiers: ClinVar variation 3356842 (VCV003356842.1).